The following is an entry in ClinVar:

ClinVar aggregate classification (germline): Uncertain significance (1 of 4 stars; one submission).

Conditions:
CEP164-related disorder. Also called: CEP164-related condition.

Submission:

PreventionGenetics, part of Exact Sciences
Classification: Uncertain significance for CEP164-related condition. Last evaluated: 2024-11-27. Review status: criteria provided, single submitter. Criteria: ACMG Guidelines, 2015. Collection method: clinical testing. Allele origin: germline.
Comment: The CEP164 c.1675C>G variant is predicted to result in the amino acid substitution p.Pro559Ala. To our knowledge, this variant has not been reported in the literature. This variant is reported in 0.00088% of alleles in individuals of European (Non-Finnish) descent in gnomAD. At this time, the clinical significance of this variant is uncertain due to the absence of conclusive functional and genetic evidence.

NM_014956.5(CEP164):c.1675C>G (p.Pro559Ala)

Gene: CEP164 (centrosomal protein 164; plus strand). Cytogenetic location: 11q23.3.
Variant type: single nucleotide variant.
Coding change: c.1675C>G on transcript NM_014956.5 (MANE Select); coding-DNA position 1675, C replaced by G.
Protein change: p.Pro559Ala; replaces proline 559 with alanine.
Molecular consequence: missense variant. On other transcripts: intron variant (27).
Genome position (GRCh38, 1-based): chr11:117,382,893, C>G. VCF-style: chr11-117382893-C-G. GRCh37 (hg19) VCF-style: chr11-117253609-C-G.
Other names: c.1684C>G, p.Pro562Ala (NM_001271933.2, NM_001440949.1); c.1675C>G, p.Pro559Ala (NM_001440950.1, NM_001440951.1, NM_001440953.1 and 1 more transcripts); c.1597C>G, p.Pro533Ala (NM_001440954.1, NM_001440955.1, NM_001440958.1 and 2 more transcripts); c.1546C>G, p.Pro516Ala (NM_001440960.1); c.1516C>G, p.Pro506Ala (NM_001440972.1); c.1586+1025C>G (NM_001440967.1, NM_001440961.1); c.1637+1025C>G (NM_001440956.1, NM_001440957.1); c.1577+1025C>G (NM_001440962.1, NM_001440970.1, NM_001440964.1 and 6 more transcripts); and 2 more; short protein forms P533A, P516A, P559A, P562A, P506A.
Identifiers: ClinVar variation 4999639 (VCV004999639.1).